The following is an entry in ClinVar:

NM_000492.4(CFTR):c.837A>T (p.Glu279Asp)

Gene: CFTR (CF transmembrane conductance regulator; plus strand). Cytogenetic location: 7q31.2.
Variant type: single nucleotide variant.
Coding change: c.837A>T on transcript NM_000492.4 (MANE Select); coding-DNA position 837, A replaced by T.
Protein change: p.Glu279Asp; replaces glutamic acid 279 with aspartic acid.
Molecular consequence: missense variant.
Genome position (GRCh38, 1-based): chr7:117,536,641, A>T. VCF-style: chr7-117536641-A-T. GRCh37 (hg19) VCF-style: chr7-117176695-A-T.
Other names: short protein forms E279D.
Identifiers: ClinVar variation 501133 (VCV000501133.15), dbSNP rs773509355, ClinGen allele CA4450839.

ClinVar aggregate classification (germline): Uncertain significance. Review status: criteria provided, multiple submitters, no conflicts (2 of 4 stars). 6 submissions from 6 submitters: Uncertain significance (6). Last evaluated 2026-06-08.

Conditions:
Cystic fibrosis (CF). Also called: MUCOVISCIDOSIS. Identifiers: Orphanet 586, MedGen C0010674, MONDO:0009061, OMIM 219700. Disease mechanism: loss of function.

Allele frequency attached by ClinVar (database versions not stated): ExAC 0.00002; gnomAD 0.00002; TOPMed 0.00003; gnomAD exomes 0.00004 and 0.00009.
gnomAD v4.1: 131 of 1,611,982 alleles (0.0081%); highest among the groups gnomAD compares: Non-Finnish European, 0.0087%; no homozygotes.

Submissions (6):

Women's Health and Genetics/Laboratory Corporation of America, LabCorp
Classification: Uncertain significance. Last evaluated: 2026-06-08. Review status: criteria provided, single submitter. Criteria: LabCorp Variant Classification Summary - May 2015. Collection method: clinical testing. Allele origin: germline.
Comment: Variant summary: CFTR c.837A>T (p.Glu279Asp) results in a conservative amino acid change located in the ABC transporter type 1, transmembrane domain (IPR011527) of the encoded protein sequence. Algorithms developed to predict the effect of missense changes on protein structure and function all suggest that this variant is likely to be tolerated. The variant allele was found at a frequency of 4e-05 in 249462 control chromosomes. This frequency is not significantly higher than estimated for disease-causing variants in CFTR, allowing no conclusion about variant significance. c.837A>T has been reported in the literature in asymptomatic individuals, one with a reported second variant and normal sweat chloride test (e.g. Masvidal_2009, Terlizzi_2017) and in the blastomere of a CF-carrier couple undergoing pre-implantation genetic diagnosis (Destouni_2016). These report(s) do not provide unequivocal conclusions about association of the variant with Cystic Fibrosis. To our knowledge, no experimental evidence demonstrating an impact on protein function has been reported. The following publications have been ascertained in the context of this evaluation (PMID: 19810821, 26493493, 27738188). ClinVar contains an entry for this variant (Variation ID: 501133). Based on the evidence outlined above, the variant was classified as uncertain significance.

Labcorp Genetics (formerly Invitae), Labcorp
Classification: Uncertain significance for Cystic fibrosis. Last evaluated: 2025-11-04. Review status: criteria provided, single submitter. Criteria: Invitae Variant Classification Sherloc (09022015). Collection method: clinical testing. Allele origin: germline.
Comment: This sequence change replaces glutamic acid, which is acidic and polar, with aspartic acid, which is acidic and polar, at codon 279 of the CFTR protein (p.Glu279Asp). This variant is present in population databases (rs773509355, gnomAD 0.02%). This variant has not been reported in the literature in individuals affected with CFTR-related conditions. ClinVar contains an entry for this variant (Variation ID: 501133). Invitae Evidence Modeling of protein sequence and biophysical properties (such as structural, functional, and spatial information, amino acid conservation, physicochemical variation, residue mobility, and thermodynamic stability) indicates that this missense variant is not expected to disrupt CFTR protein function with a negative predictive value of 80%. In summary, the available evidence is currently insufficient to determine the role of this variant in disease. Therefore, it has been classified as a Variant of Uncertain Significance.

Blueprint Genetics
Classification: Uncertain significance. Last evaluated: 2024-09-03. Review status: criteria provided, single submitter. Criteria: ACMG Guidelines, 2015. Collection method: clinical testing. Allele origin: germline.

Ambry Genetics
Classification: Uncertain significance for Cystic fibrosis. Last evaluated: 2024-07-17. Review status: criteria provided, single submitter. Criteria: Ambry Variant Classification Scheme 2023. Collection method: clinical testing. Allele origin: germline.
Comment: The p.E279D variant (also known as c.837A>T), located in coding exon 7 of the CFTR gene, results from an A to T substitution at nucleotide position 837. The glutamic acid at codon 279 is replaced by aspartic acid, an amino acid with highly similar properties. This variant has been detected in reportedly asymptomatic individuals, including one with a second CFTR variant, normal sweat chloride, and a reported family history of cystic fibrosis; however, details were limited (Masvidal L et al. Genet Test Mol Biomarkers, 2009 Dec;13:765-8; Terlizzi V et al. J. Med. Genet., 2017 04;54:224-235). This amino acid position is not well conserved in available vertebrate species, and aspartic acid is the reference amino acid in other vertebrate species. In addition, this alteration is predicted to be tolerated by in silico analysis. Based on the available evidence, the clinical significance of this variant remains unclear.

Quest Diagnostics Nichols Institute San Juan Capistrano
Classification: Uncertain significance. Last evaluated: 2021-02-09. Review status: criteria provided, single submitter. Criteria: Quest Diagnostics criteria. Collection method: clinical testing. Allele origin: unknown.

Eurofins Ntd Llc (ga)
Classification: Uncertain significance. Last evaluated: 2017-03-27. Review status: criteria provided, single submitter. Criteria: EGL Classification Definitions 2015. Collection method: clinical testing. Allele origin: germline. Observed: 1 variant allele, 1 heterozygote.

Literature cited by the submitters: PubMed 19810821 (cited by 3 submitters); PubMed 27738188 (cited by 3 submitters); PubMed 26493493 (cited by 3 submitters).